The following is an entry in ClinVar:

NM_199334.5(THRA):c.724-2A>G

Gene: THRA (thyroid hormone receptor alpha; plus strand). Cytogenetic location: 17q21.1.
Variant type: single nucleotide variant.
Coding change: c.724-2A>G on transcript NM_199334.5 (MANE Select); the canonical splice acceptor site of the intron before coding-DNA position 724, A replaced by G.
Molecular consequence: splice acceptor variant.
Genome position (GRCh38, 1-based): chr17:40,088,240, A>G. VCF-style: chr17-40088240-A-G. GRCh37 (hg19) VCF-style: chr17-38244493-A-G.
Other names: c.724-2A>G (NM_001190919.2, NM_003250.6, NM_001190918.2).
Identifiers: ClinVar variation 3056779 (VCV003056779.2), dbSNP rs2544244396, ClinGen allele CA399273922.
Genomic context (GRCh38, chr17:40,088,240, plus strand): 5'-GGGAGACTCAAGGACGCGGGGAGGGGTATGCTGAGTGCTCCTGTGGCCCTGCCGCTCCAC[A>G]GCTGCCTTGCGAAGACCAGATCATCCTCCTGAAGGGGTGCTGCATGGAGATCATGTCCCT-3'

ClinVar aggregate classification (germline): Uncertain significance (0 of 4 stars; one submission).

Conditions:
THRA-related disorder. Also called: THRA-related condition.

Submission:

PreventionGenetics, part of Exact Sciences
Classification: Uncertain significance for THRA-related condition. Last evaluated: 2024-03-04. Review status: no assertion criteria provided. Collection method: clinical testing. Allele origin: germline.
Comment: The THRA c.724-2A>G variant is predicted to disrupt the AG splice acceptor site and interfere with normal splicing. To our knowledge, this variant has not been reported in the literature or in a large population database, indicating this variant is rare. Although we suspect that this variant may be pathogenic, at this time, the clinical significance of this variant is uncertain due to the absence of conclusive functional and genetic evidence.